The following is an entry in ClinVar:

NM_015386.3(COG4):c.1580G>T (p.Ser527Ile)

Gene: COG4 (component of oligomeric golgi complex 4; minus strand). Cytogenetic location: 16q22.1.
Variant type: single nucleotide variant.
Coding change: c.1580G>T on transcript NM_015386.3 (MANE Select); coding-DNA position 1580, G replaced by T.
Protein change: p.Ser527Ile; replaces serine 527 with isoleucine.
Molecular consequence: missense variant. On other transcripts: non-coding transcript variant (1).
Genome position (GRCh38, 1-based): chr16:70,496,333, C>A on the plus strand (G>T on the coding strand, the complement: COG4 is on the minus strand). VCF-style: chr16-70496333-C-A. GRCh37 (hg19) VCF-style: chr16-70530236-C-A.
Other names: c.1568G>T, p.Ser523Ile (NM_001195139.2); c.1154G>T, p.Ser385Ile (NM_001365426.1); short protein forms S385I, S523I, S527I.
Identifiers: ClinVar variation 3898959 (VCV003898959.1).

ClinVar aggregate classification (germline): Uncertain significance (1 of 4 stars; one submission).

Submission:

GeneDx
Classification: Uncertain significance. Last evaluated: 2024-11-10. Review status: criteria provided, single submitter. Criteria: GeneDx Variant Classification Process June 2021. Collection method: clinical testing. Allele origin: germline. Affected: yes.
Comment: Not observed at significant frequency in large population cohorts (gnomAD); In silico analysis supports that this missense variant has a deleterious effect on protein structure/function; Has not been previously published as pathogenic or benign to our knowledge